The following is an entry in ClinVar:

NM_170606.3(KMT2C):c.1331G>A (p.Arg444Gln)

Gene: KMT2C (lysine methyltransferase 2C; minus strand). Cytogenetic location: 7q36.1.
Variant type: single nucleotide variant.
Coding change: c.1331G>A on transcript NM_170606.3 (MANE Select); coding-DNA position 1331, G replaced by A.
Protein change: p.Arg444Gln; replaces arginine 444 with glutamine.
Molecular consequence: missense variant.
Genome position (GRCh38, 1-based): chr7:152,252,684, C>T on the plus strand (G>A on the coding strand, the complement: KMT2C is on the minus strand). VCF-style: chr7-152252684-C-T. GRCh37 (hg19) VCF-style: chr7-151949769-C-T.
Other names: short protein forms R444Q.
Identifiers: ClinVar variation 1027365 (VCV001027365.4), dbSNP rs760928040, ClinGen allele CA4581518.

ClinVar aggregate classification (germline): Uncertain significance. Review status: criteria provided, multiple submitters, no conflicts (2 of 4 stars). 2 submissions from 2 submitters: Uncertain significance (2). Last evaluated 2024-12-04.

Conditions:
Kleefstra syndrome 2 (KLEFS2). Identifiers: MedGen C4540395, MONDO:0054701, OMIM 617768.

Allele frequency attached by ClinVar (database versions not stated): TOPMed 0.00003; ExAC 0.00001; gnomAD exomes below 0.00001 and 0.00002; gnomAD 0.00001.
gnomAD v4.1: 26 of 1,612,774 alleles (0.0016%); highest among the groups gnomAD compares: Non-Finnish European, 0.002%; no homozygotes.

Submissions (2):

Women's Health and Genetics/Laboratory Corporation of America, LabCorp
Classification: Uncertain significance. Last evaluated: 2024-12-04. Review status: criteria provided, single submitter. Criteria: LabCorp Variant Classification Summary - May 2015. Collection method: clinical testing. Allele origin: germline.
Comment: Variant summary: KMT2C c.1331G>A (p.Arg444Gln) results in a conservative amino acid change in the encoded protein sequence. Three of four in-silico tools predict a damaging effect of the variant on protein function. The variant allele was found at a frequency of 4e-06 in 250184 control chromosomes. The available data on variant occurrences in the general population are insufficient to allow any conclusion about variant significance. To our knowledge, no occurrence of c.1331G>A in individuals affected with Kleefstra Syndrome 2 and no experimental evidence demonstrating its impact on protein function have been reported. ClinVar contains an entry for this variant (Variation ID: 1027365). Based on the evidence outlined above, the variant was classified as uncertain significance.

Institute of Human Genetics, University of Goettingen
Classification: Uncertain significance for Kleefstra syndrome 2. Last evaluated: 2020-06-30. Review status: criteria provided, single submitter. Criteria: ACMG Guidelines, 2015. Collection method: clinical testing. Allele origin: germline. Inheritance: Autosomal dominant inheritance. Affected: yes. Observed: 1 variant allele, 1 heterozygote.
Comment: The KMT2Cvariant c.1331G>A (p.(Arg444Gln)) is found at a population frequency of 0.0004% in the gnomAD database, but not in the homozygous state. In summary and using ACMG criteria PM2, PP3, BP1 we classify this variant as variant of unknown clinical significance.